The following is an entry in ClinVar:

ClinVar aggregate classification (germline): Uncertain significance (1 of 4 stars; one submission).

Conditions:
Hereditary cancer-predisposing syndrome. Also called: Tumor predisposition; Neoplastic Syndromes, Hereditary; Hereditary Cancer Syndrome; Hereditary neoplastic syndrome. Identifiers: Orphanet 140162, MedGen C0027672, MeSH D009386, MONDO:0015356.

Submission:

Ambry Genetics
Classification: Uncertain significance for Hereditary cancer-predisposing syndrome. Last evaluated: 2024-10-08. Review status: criteria provided, single submitter. Criteria: Ambry Variant Classification Scheme 2023. Collection method: clinical testing. Allele origin: germline.
Comment: The p.A3012V variant (also known as c.9035C>T), located in coding exon 22 of the BRCA2 gene, results from a C to T substitution at nucleotide position 9035. The alanine at codon 3012 is replaced by valine, an amino acid with similar properties. This amino acid position is not well conserved in available vertebrate species. In addition, the in silico prediction for this alteration is inconclusive. Based on the available evidence, the clinical significance of this variant remains unclear.

NM_000059.4(BRCA2):c.9035C>T (p.Ala3012Val)

Gene: BRCA2 (BRCA2 DNA repair associated; plus strand). Cytogenetic location: 13q13.1.
Variant type: single nucleotide variant.
Coding change: c.9035C>T on transcript NM_000059.4 (MANE Select); coding-DNA position 9035, C replaced by T.
Protein change: p.Ala3012Val; replaces alanine 3012 with valine.
Molecular consequence: missense variant. On other transcripts: non-coding transcript variant (1).
Genome position (GRCh38, 1-based): chr13:32,379,831, C>T. VCF-style: chr13-32379831-C-T. GRCh37 (hg19) VCF-style: chr13-32953968-C-T.
Other names: c.8939C>T, p.Ala2980Val (NM_001406719.1); c.8984C>T, p.Ala2995Val (NM_001406720.1); c.4103C>T, p.Ala1368Val (NM_001406721.1); c.2618C>T, p.Ala873Val (NM_001406722.1); c.9035C>T, p.Ala3012Val (NM_001432077.1); short protein forms A2995V, A873V, A1368V, A2980V, A3012V.
Identifiers: ClinVar variation 3481992 (VCV003481992.1).
Genomic context (GRCh38, chr13:32,379,831, plus strand): 5'-CATCATCAGATTTATATTCTCTGTTAACAGAAGGAAAGAGATACAGAATTTATCATCTTG[C>T]AACTTCAAAATCTAAAAGTAAATCTGAAAGAGCTAACATACAGTTAGCAGCGACAAAAAA-3'
Protein context (NP_000050.3, residues 3002-3022): EGKRYRIYHL[Ala3012Val]TSKSKSKSER